The following is an entry in ClinVar:

ClinVar aggregate classification (germline): Uncertain significance. Review status: criteria provided, multiple submitters, no conflicts (2 of 4 stars). 6 submissions from 6 submitters: Uncertain significance (6). Last evaluated 2026-05-07.

Conditions:
ABCC2-related disorder. Also called: ABCC2-related condition.
Dubin-Johnson syndrome (DJS). Also called: HYPERBILIRUBINEMIA, DUBIN-JOHNSON TYPE; Jaundice, Chronic Idiopathic; Hyperbilirubinemia type 2. Identifiers: Orphanet 234, MedGen C0022350, MONDO:0009380, OMIM 237500.

Allele frequency attached by ClinVar (database versions not stated): ExAC 0.00001; gnomAD 0.00001; gnomAD exomes 0.00002 and 0.00004; TOPMed 0.00002.
gnomAD v4.1: 60 of 1,613,786 alleles (0.0037%); highest among the groups gnomAD compares: Middle Eastern, 0.66%; 1 homozygote.

Submissions (6):

PreventionGenetics, part of Exact Sciences
Classification: Uncertain significance for ABCC2-related condition. Last evaluated: 2026-05-07. Review status: criteria provided, single submitter. Criteria: ACMG Guidelines, 2015. Collection method: clinical testing. Allele origin: germline.
Comment: The ABCC2 c.3973G>A variant is predicted to result in the amino acid substitution p.Gly1325Ser. To our knowledge, this variant has not been reported in the literature. This variant is reported in 0.0029% of alleles in individuals of Latino descent in gnomAD. At this time, the clinical significance of this variant is uncertain due to the absence of conclusive functional and genetic evidence.

Blueprint Genetics
Classification: Uncertain significance. Last evaluated: 2024-06-11. Review status: criteria provided, single submitter. Criteria: ACMG Guidelines, 2015. Collection method: clinical testing. Allele origin: germline.

Baylor Genetics
Classification: Uncertain significance for Dubin-Johnson syndrome. Last evaluated: 2020-05-05. Review status: criteria provided, single submitter. Criteria: ACMG Guidelines, 2015. Collection method: clinical testing. Allele origin: unknown. Affected: yes.
Comment: This variant was determined to be of uncertain significance according to ACMG Guidelines, 2015 [PMID:25741868].

Illumina Laboratory Services, Illumina
Classification: Uncertain significance for Dubin-Johnson syndrome. Last evaluated: 2018-01-13. Review status: criteria provided, single submitter. Criteria: ICSL Variant Classification Criteria 13 December 2019. Collection method: clinical testing. Allele origin: germline.

Eurofins Ntd Llc (ga)
Classification: Uncertain significance. Last evaluated: 2017-05-30. Review status: criteria provided, single submitter. Criteria: EGL Classification Definitions 2015. Collection method: clinical testing. Allele origin: germline. Observed: 3 variant alleles, 2 heterozygotes, 1 homozygote.

Breakthrough Genomics
Classification: Uncertain significance. Review status: criteria provided, single submitter. Criteria: ACMG Guidelines, 2015. Collection method: not provided. Allele origin: germline. Inheritance: Autosomal recessive inheritance. Affected: yes.

NM_000392.5(ABCC2):c.3973G>A (p.Gly1325Ser)

Gene: ABCC2 (ATP binding cassette subfamily C member 2; plus strand). Cytogenetic location: 10q24.2.
Variant type: single nucleotide variant.
Coding change: c.3973G>A on transcript NM_000392.5 (MANE Select); coding-DNA position 3973, G replaced by A.
Protein change: p.Gly1325Ser; replaces glycine 1325 with serine.
Molecular consequence: missense variant.
Genome position (GRCh38, 1-based): chr10:99,844,451, G>A. VCF-style: chr10-99844451-G-A. GRCh37 (hg19) VCF-style: chr10-101604208-G-A.
Other names: c.3973G>A (NM_000392.4); c.3973G>A, p.Gly1325Ser (LRG_1208t1); short protein forms G1325S.
Identifiers: ClinVar variation 283816 (VCV000283816.13), dbSNP rs759452729, ClinGen allele CA5643994.
Genomic context (GRCh38, chr10:99,844,451, plus strand): 5'-TACCAAGTGCGGTACCGACCTGAGCTGGATCTGGTCCTCAGAGGGATCACTTGTGACATC[G>A]GTAGCATGGAGAAGGTAGGTGGAGTGAAGGAAGGCCTGGATGGGAGGCCTTGTGATCAAA-3'
Protein context (NP_000383.2, residues 1315-1335): LVLRGITCDI[Gly1325Ser]SMEKIGVVGR